The following is an entry in ClinVar:

ClinVar aggregate classification (germline): Uncertain significance (1 of 4 stars; one submission).

Conditions:
Trichorhinophalangeal syndrome, type III (TRPS3). Also called: SUGIO-KAJII SYNDROME. Identifiers: Orphanet 77258, MedGen C1860823, OMIM 190351, MONDO:0008597.
Trichorhinophalangeal dysplasia type I (TRPS1). Also called: TRICHORHINOPHALANGEAL SYNDROME, TYPE I; TRPS I. Identifiers: Orphanet 77258, MedGen C0432233, MONDO:0008596, OMIM 190350.

Allele frequency attached by ClinVar (database versions not stated): TOPMed below 0.00001.

Submission:

Labcorp Genetics (formerly Invitae), Labcorp
Classification: Uncertain significance for Trichorhinophalangeal syndrome, type III; Trichorhinophalangeal dysplasia type I. Last evaluated: 2023-02-27. Review status: criteria provided, single submitter. Criteria: Invitae Variant Classification Sherloc (09022015). Collection method: clinical testing. Allele origin: germline.
Comment: Advanced modeling of protein sequence and biophysical properties (such as structural, functional, and spatial information, amino acid conservation, physicochemical variation, residue mobility, and thermodynamic stability) performed at Invitae indicates that this missense variant is not expected to disrupt TRPS1 protein function. In summary, the available evidence is currently insufficient to determine the role of this variant in disease. Therefore, it has been classified as a Variant of Uncertain Significance. ClinVar contains an entry for this variant (Variation ID: 1381497). This variant has not been reported in the literature in individuals affected with TRPS1-related conditions. This variant is not present in population databases (gnomAD no frequency). This sequence change replaces serine, which is neutral and polar, with threonine, which is neutral and polar, at codon 616 of the TRPS1 protein (p.Ser616Thr).

NM_014112.5(TRPS1):c.1846T>A (p.Ser616Thr)

Gene: TRPS1 (transcriptional repressor GATA binding 1; minus strand). Cytogenetic location: 8q23.3.
Variant type: single nucleotide variant.
Coding change: c.1846T>A on transcript NM_014112.5 (MANE Select); coding-DNA position 1846, T replaced by A.
Protein change: p.Ser616Thr; replaces serine 616 with threonine.
Molecular consequence: missense variant.
Genome position (GRCh38, 1-based): chr8:115,604,123, A>T on the plus strand (T>A on the coding strand, the complement: TRPS1 is on the minus strand). VCF-style: chr8-115604123-A-T. GRCh37 (hg19) VCF-style: chr8-116616350-A-T.
Other names: c.1819T>A, p.Ser607Thr (NM_001282902.3); c.1825T>A, p.Ser609Thr (NM_001282903.3); c.1807T>A, p.Ser603Thr (NM_001330599.2); short protein forms S609T, S603T, S607T, S616T.
Identifiers: ClinVar variation 1381497 (VCV001381497.6), dbSNP rs780551240, ClinGen allele CA372066488.